The following is an entry in ClinVar:

ClinVar aggregate classification (germline): Uncertain significance (1 of 4 stars; one submission).

gnomAD v4.1: 1 of 1,582,192 alleles (0.000063%); highest among the groups gnomAD compares: Non-Finnish European, 0.000086%; no homozygotes.

Submission:

GeneDx
Classification: Uncertain significance. Last evaluated: 2024-08-29. Review status: criteria provided, single submitter. Criteria: GeneDx Variant Classification Process June 2021. Collection method: clinical testing. Allele origin: germline. Affected: yes.
Comment: Not observed at significant frequency in large population cohorts (gnomAD); In silico analysis supports that this missense variant has a deleterious effect on protein structure/function; Has not been previously published as pathogenic or benign to our knowledge

NM_001098511.3(KIF2A):c.1610G>A (p.Cys537Tyr)

Gene: KIF2A (kinesin family member 2A; plus strand). Cytogenetic location: 5q12.1.
Variant type: single nucleotide variant.
Coding change: c.1610G>A on transcript NM_001098511.3 (MANE Select); coding-DNA position 1610, G replaced by A.
Protein change: p.Cys537Tyr; replaces cysteine 537 with tyrosine.
Molecular consequence: missense variant.
Genome position (GRCh38, 1-based): chr5:62,366,445, G>A. VCF-style: chr5-62366445-G-A. GRCh37 (hg19) VCF-style: chr5-61662272-G-A.
Other names: c.1529G>A, p.Cys510Tyr (NM_001243952.2); c.1553G>A, p.Cys518Tyr (NM_001243953.2); c.1610G>A, p.Cys537Tyr (NM_004520.5); short protein forms C510Y, C518Y, C537Y.
Identifiers: ClinVar variation 3765978 (VCV003765978.1).